The following is an entry in ClinVar:

NM_001317950.2(AKNA):c.2031C>T (p.Ser677=)

Gene: AKNA (AT-hook transcription factor; minus strand). Cytogenetic location: 9q32.
Variant type: single nucleotide variant.
Coding change: c.2031C>T on transcript NM_001317950.2 (MANE Select); coding-DNA position 2031, C replaced by T.
Protein change: p.Ser677=; no amino-acid change (serine 677 retained).
Molecular consequence: synonymous variant.
Genome position (GRCh38, 1-based): chr9:114,361,797, G>A on the plus strand (C>T on the coding strand, the complement: AKNA is on the minus strand). VCF-style: chr9-114361797-G-A. GRCh37 (hg19) VCF-style: chr9-117124077-G-A.
Other names: c.1674C>T, p.Ser558= (NM_001317952.1); c.2031C>T, p.Ser677= (NM_030767.5).
Identifiers: ClinVar variation 2659446 (VCV002659446.24), dbSNP rs1394611046, ClinGen allele CA466779635.

ClinVar aggregate classification (germline): Likely benign (1 of 4 stars; one submission).

Allele frequency attached by ClinVar (database versions not stated): gnomAD exomes below 0.00001; TOPMed below 0.00001.
gnomAD v4.1: 5 of 1,613,826 alleles (0.00031%); highest among the groups gnomAD compares: Non-Finnish European, 0.00042%; no homozygotes.

Submission:

CeGaT Center for Human Genetics Tuebingen
Classification: Likely benign. Last evaluated: 2023-03-01. Review status: criteria provided, single submitter. Criteria: CeGaT Center For Human Genetics Tuebingen Variant Classification Criteria Version 2. Collection method: clinical testing. Allele origin: germline. Affected: yes. Observed: 1 variant allele.
Comment: AKNA: BP4, BP7